The following is an entry in ClinVar:

ClinVar aggregate classification (germline): Uncertain significance (1 of 4 stars; one submission).

Conditions:
Renal cell carcinoma. Identifiers: Orphanet 217071, MedGen C0007134, MeSH D002292, MONDO:0005086, HP:0005584.

Submission:

Labcorp Genetics (formerly Invitae), Labcorp
Classification: Uncertain significance for Renal cell carcinoma. Last evaluated: 2023-12-07. Review status: criteria provided, single submitter. Criteria: Invitae Variant Classification Sherloc (09022015). Collection method: clinical testing. Allele origin: germline.
Comment: This sequence change creates a premature translational stop signal (p.Val1019*) in the MET gene. It is expected to result in an absent or disrupted protein product. However, the current clinical and genetic evidence is not sufficient to establish whether loss-of-function variants in MET cause disease. This variant is not present in population databases (gnomAD no frequency). This variant has not been reported in the literature in individuals affected with MET-related conditions. In summary, the available evidence is currently insufficient to determine the role of this variant in disease. Therefore, it has been classified as a Variant of Uncertain Significance.

NM_000245.4(MET):c.3001del (p.Ser1000_Val1001insTer)

Gene: MET (MET proto-oncogene, receptor tyrosine kinase; plus strand). Cytogenetic location: 7q31.2.
Variant type: Deletion.
Coding change: c.3001del on transcript NM_000245.4 (MANE Select); coding-DNA position 3001, one base deleted (G; older notation c.3001delG).
Protein change: p.Ser1000_Val1001insTer.
Molecular consequence: nonsense.
Genome position (GRCh38, 1-based): chr7:116,771,962, G deleted. VCF-style (leftmost placement, unchanged base first): chr7-116771961-TG-T. GRCh37 (hg19) VCF-style: chr7-116412015-TG-T.
Other names: c.3055del, p.Ser1018_Val1019insTer (NM_001127500.3); c.1711del, p.Ser570_Val571insTer (NM_001324402.2).
Identifiers: ClinVar variation 2719559 (VCV002719559.3), dbSNP rs2485779636, ClinGen allele CA2697557558.